The following is an entry in ClinVar:

ClinVar aggregate classification (germline): VUS-mid (1 of 4 stars; one submission).

Conditions:
Upshaw-Schulman syndrome (TTP). Also called: Congenital thrombotic thrombocytopenic purpura; THROMBOTIC THROMBOCYTOPENIC PURPURA, HEREDITARY. Identifiers: Orphanet 93583, MedGen C1268935, MONDO:0010122, OMIM 274150.

Submission:

Clinical Research Development Center, Iran University of Medical Sciences (IUMS)
Classification: VUS-mid for Upshaw-Schulman syndrome. Last evaluated: 2026-06-28. Review status: criteria provided, single submitter. Criteria: ACMG Guidelines, 2015. Collection method: clinical testing. Allele origin: germline. Affected: yes.
Comment: The c.1994A>G variant in ADAMTS13 gene was absent from large population studies (PM2). Computational prediction tools like SIFT, PolyPhen, MutationTaster, and PHRED score support a deleterious effect of this variation (PP3). It is a missense variant in a gene with low rate of benign missense mutations and for which missense mutation is a common mechanism of a disease (PP2).

Literature cited by the submitters: PubMed 34946607.

NM_139027.6(ADAMTS13):c.1994A>G (p.Tyr665Cys)

Gene: ADAMTS13 (ADAM metallopeptidase with thrombospondin type 1 motif 13; plus strand). Cytogenetic location: 9q34.2.
Variant type: single nucleotide variant.
Coding change: c.1994A>G on transcript NM_139027.6 (MANE Select); coding-DNA position 1994, A replaced by G.
Protein change: p.Tyr665Cys; replaces tyrosine 665 with cysteine.
Molecular consequence: missense variant.
Genome position (GRCh38, 1-based): chr9:133,442,424, A>G. VCF-style: chr9-133442424-A-G. GRCh37 (hg19) VCF-style: chr9-136307545-A-G.
Other names: c.1994A>G, p.Tyr665Cys (NM_139025.5); c.1901A>G, p.Tyr634Cys (NM_139026.6); short protein forms Y634C, Y665C.
Identifiers: ClinVar variation 4857333 (VCV004857333.1).